The following is an entry in ClinVar:

ClinVar aggregate classification (germline): Likely benign (1 of 4 stars; one submission).

gnomAD v4.1: 2 of 1,196,646 alleles (0.00017%); highest among the groups gnomAD compares: Non-Finnish European, 0.00023%; no homozygotes.

Submission:

CeGaT Center for Human Genetics Tuebingen
Classification: Likely benign. Last evaluated: 2025-03-01. Review status: criteria provided, single submitter. Criteria: CeGaT Center For Human Genetics Tuebingen Variant Classification Criteria Version 2. Collection method: clinical testing. Allele origin: germline. Affected: yes. Observed: 1 variant allele.
Comment: WNK3: BP4

NM_020922.5(WNK3):c.1657C>G (p.Gln553Glu)

Gene: WNK3 (WNK lysine deficient protein kinase 3; minus strand). Cytogenetic location: Xp11.22.
Variant type: single nucleotide variant.
Coding change: c.1657C>G on transcript NM_020922.5 (MANE Select); coding-DNA position 1657, C replaced by G.
Protein change: p.Gln553Glu; replaces glutamine 553 with glutamic acid.
Molecular consequence: missense variant.
Genome position (GRCh38, 1-based): chrX:54,294,589, G>C on the plus strand (C>G on the coding strand, the complement: WNK3 is on the minus strand). VCF-style: chrX-54294589-G-C. GRCh37 (hg19) VCF-style: chrX-54321022-G-C.
Other names: c.1657C>G, p.Gln553Glu (NM_001002838.4, NM_001395166.1); short protein forms Q553E.
Identifiers: ClinVar variation 3778301 (VCV003778301.7).
Genomic context (GRCh38, chrX:54,294,589, plus strand): 5'-TTTTACAAGCTGTAACTGTGTTACCTGTAACAGAGGAGCAGTGCTGCTGTGGTTTTCTTT[G>C]TAGAAGCTGTTGTCTAACATGTTGATCAACTTCAGTTTCTTCACATTCAGCCCCAGTTTG-3'
Protein context (NP_065973.2, residues 543-563): VDQHVRQQLL[Gln553Glu]RKPQQHCSSV